The following is an entry in ClinVar:

NM_199420.4(POLQ):c.6847G>C (p.Gly2283Arg)

Gene: POLQ (DNA polymerase theta; minus strand). Cytogenetic location: 3q13.33.
Variant type: single nucleotide variant.
Coding change: c.6847G>C on transcript NM_199420.4 (MANE Select); coding-DNA position 6847, G replaced by C.
Protein change: p.Gly2283Arg; replaces glycine 2283 with arginine.
Molecular consequence: missense variant.
Genome position (GRCh38, 1-based): chr3:121,467,639, C>G on the plus strand (G>C on the coding strand, the complement: POLQ is on the minus strand). VCF-style: chr3-121467639-C-G. GRCh37 (hg19) VCF-style: chr3-121186486-C-G.
Other names: short protein forms G2283R.
Identifiers: ClinVar variation 1755759 (VCV001755759.2), dbSNP rs746034785, ClinGen allele CA354110920.

ClinVar aggregate classification (germline): Uncertain significance (1 of 4 stars; one submission).

Submission:

Ambry Genetics
Classification: Uncertain significance. Last evaluated: 2021-12-01. Review status: criteria provided, single submitter. Criteria: Ambry Variant Classification Scheme 2023. Collection method: clinical testing. Allele origin: germline.
Comment: The p.G2283R variant (also known as c.6847G>C), located in coding exon 24 of the POLQ gene, results from a G to C substitution at nucleotide position 6847. The glycine at codon 2283 is replaced by arginine, an amino acid with dissimilar properties. This amino acid position is conserved. In addition, this alteration is predicted to be tolerated by in silico analysis. Since supporting evidence is limited at this time, the clinical significance of this alteration remains unclear.